The following is an entry in ClinVar:

NM_006393.3(NEBL):c.2611+87del

Gene: NEBL (nebulette; minus strand). Cytogenetic location: 10p12.31.
Variant type: Deletion.
Coding change: c.2611+87del on transcript NM_006393.3 (MANE Select); 87 bases into the intron after coding-DNA position 2611, one base deleted (G; older notation c.2611+87delG).
Molecular consequence: intron variant.
Genome position (GRCh38, 1-based): chr10:20,809,719, C deleted on the plus strand (G on the coding strand, the reverse complement: NEBL is on the minus strand). VCF-style (leftmost placement, unchanged base first): chr10-20809718-AC-A. GRCh37 (hg19) VCF-style: chr10-21098647-AC-A.
Other names: c.421+3050del (NM_001377326.1, NM_001377327.1, NM_001377328.1); c.529+3050del (NM_213569.2, NM_001173484.2); c.622+87del (NM_001377322.1); c.472+3050del (NM_001377324.1); c.463+3050del (NM_001377325.1); c.481+3050del (NM_001377323.1); c.2611+87delG (NM_006393.2).
Identifiers: ClinVar variation 675869 (VCV000675869.1), dbSNP rs145642401, ClinGen allele CA204162334.

ClinVar aggregate classification (germline): Likely benign (1 of 4 stars; one submission).

Allele frequency attached by ClinVar (database versions not stated): gnomAD exomes 0.00154; gnomAD 0.01282 and 0.01363; TOPMed 0.01483; 1000 Genomes Project 0.01518; 1000 Genomes Project 30x 0.01562.

Submission:

GeneDx
Classification: Likely benign. Last evaluated: 2018-06-14. Review status: criteria provided, single submitter. Criteria: GeneDx Variant Classification (06012015). Collection method: clinical testing. Allele origin: germline. Affected: yes.
Comment: This variant is considered likely benign or benign based on one or more of the following criteria: it is a conservative change, it occurs at a poorly conserved position in the protein, it is predicted to be benign by multiple in silico algorithms, and/or has population frequency not consistent with disease.